The following is an entry in ClinVar:

NM_001277115.2(DNAH11):c.1195G>T (p.Ala399Ser)

Gene: DNAH11 (dynein axonemal heavy chain 11; plus strand). Cytogenetic location: 7p15.3.
Variant type: single nucleotide variant.
Coding change: c.1195G>T on transcript NM_001277115.2 (MANE Select); coding-DNA position 1195, G replaced by T.
Protein change: p.Ala399Ser; replaces alanine 399 with serine.
Molecular consequence: missense variant.
Genome position (GRCh38, 1-based): chr7:21,570,069, G>T. VCF-style: chr7-21570069-G-T. GRCh37 (hg19) VCF-style: chr7-21609687-G-T.
Other names: c.1195G>T, p.Ala399Ser (NM_003777.3); c.1195G>T (NM_001277115.1); short protein forms A399S.
Identifiers: ClinVar variation 3005814 (VCV003005814.5), dbSNP rs1783824859, ClinGen allele CA366934382.

ClinVar aggregate classification (germline): Uncertain significance. Review status: criteria provided, multiple submitters, no conflicts (2 of 4 stars). 3 submissions from 3 submitters: Uncertain significance (3). Last evaluated 2023-11-07.

Conditions:
Primary ciliary dyskinesia. Also called: Ciliary dyskinesia. Identifiers: Orphanet 244, MedGen C0008780, MONDO:0016575, HP:0012265.

Allele frequency attached by ClinVar (database versions not stated): gnomAD 0.00001.
gnomAD v4.1: 5 of 1,593,446 alleles (0.00031%); highest among the groups gnomAD compares: African/African-American, 0.0013%; no homozygotes.

Submissions (3):

GeneDx
Classification: Uncertain significance. Last evaluated: 2023-11-07. Review status: criteria provided, single submitter. Criteria: GeneDx Variant Classification Process June 2021. Collection method: clinical testing. Allele origin: germline. Affected: yes.
Comment: Not observed at significant frequency in large population cohorts (gnomAD); In silico analysis supports a deleterious effect on splicing; In silico analysis supports that this missense variant does not alter protein structure/function; Has not been previously published as pathogenic or benign to our knowledge

Labcorp Genetics (formerly Invitae), Labcorp
Classification: Uncertain significance for Primary ciliary dyskinesia. Last evaluated: 2023-08-02. Review status: criteria provided, single submitter. Criteria: Invitae Variant Classification Sherloc (09022015). Collection method: clinical testing. Allele origin: germline.
Comment: Algorithms developed to predict the effect of sequence changes on RNA splicing suggest that this variant may disrupt the consensus splice site. This sequence change replaces alanine, which is neutral and non-polar, with serine, which is neutral and polar, at codon 399 of the DNAH11 protein (p.Ala399Ser). This variant is not present in population databases (gnomAD no frequency). This variant has not been reported in the literature in individuals affected with DNAH11-related conditions. An algorithm developed to predict the effect of missense changes on protein structure and function (PolyPhen-2) suggests that this variant is likely to be disruptive. In summary, the available evidence is currently insufficient to determine the role of this variant in disease. Therefore, it has been classified as a Variant of Uncertain Significance.

Blueprint Genetics
Classification: Uncertain significance. Last evaluated: 2021-06-04. Review status: criteria provided, single submitter. Criteria: ACMG Guidelines, 2015. Collection method: clinical testing. Allele origin: germline.